The following is an entry in ClinVar:

NM_006659.4(TUBGCP2):c.616+4C>T

Gene: TUBGCP2 (tubulin gamma complex component 2; minus strand). Cytogenetic location: 10q26.3.
Variant type: single nucleotide variant.
Coding change: c.616+4C>T on transcript NM_006659.4 (MANE Select); 4 bases into the intron after coding-DNA position 616, C replaced by T.
Molecular consequence: intron variant.
Genome position (GRCh38, 1-based): chr10:133,297,948, G>A on the plus strand (C>T on the coding strand, the complement: TUBGCP2 is on the minus strand). VCF-style: chr10-133297948-G-A. GRCh37 (hg19) VCF-style: chr10-135111452-G-A.
Other names: c.226+4C>T (NM_001256618.2); c.616+4C>T (NM_001256617.2, NM_001256617.1).
Identifiers: ClinVar variation 2641026 (VCV002641026.25), dbSNP rs373304280, ClinGen allele CA5764451.

ClinVar aggregate classification (germline): Likely benign. Review status: criteria provided, multiple submitters, no conflicts (2 of 4 stars). 2 submissions from 2 submitters: Likely benign (2). Last evaluated 2025-08-03.

Conditions:
TUBGCP2-related disorder. Also called: TUBGCP2-related condition.

Allele frequency attached by ClinVar (database versions not stated): gnomAD exomes 0.00058; 1000 Genomes Project 0.00060; gnomAD 0.00060; 1000 Genomes Project 30x 0.00062; ESP Exome Variant Server 0.00069; TOPMed 0.00080; ExAC 0.00093.

Submissions (2):

PreventionGenetics, part of Exact Sciences
Classification: Likely benign for TUBGCP2-related condition. Last evaluated: 2025-08-03. Review status: criteria provided, single submitter. Criteria: ACMG Guidelines, 2015. Collection method: clinical testing. Allele origin: germline.
Comment: This variant is classified as likely benign based on ACMG/AMP sequence variant interpretation guidelines (Richards et al. 2015 PMID: 25741868, with internal and published modifications).

CeGaT Center for Human Genetics Tuebingen
Classification: Likely benign. Last evaluated: 2023-05-01. Review status: criteria provided, single submitter. Criteria: CeGaT Center For Human Genetics Tuebingen Variant Classification Criteria Version 2. Collection method: clinical testing. Allele origin: germline. Affected: yes. Observed: 1 variant allele.
Comment: TUBGCP2: BP4, BS2